The following is an entry in ClinVar:

NM_006088.6(TUBB4B):c.1059C>T (p.Val353=)

Gene: TUBB4B (tubulin beta 4B class IVb; plus strand). Cytogenetic location: 9q34.3.
Variant type: single nucleotide variant.
Coding change: c.1059C>T on transcript NM_006088.6 (MANE Select); coding-DNA position 1059, C replaced by T.
Protein change: p.Val353=; no amino-acid change (valine 353 retained).
Molecular consequence: synonymous variant.
Genome position (GRCh38, 1-based): chr9:137,243,277, C>T. VCF-style: chr9-137243277-C-T. GRCh37 (hg19) VCF-style: chr9-140137729-C-T.
Identifiers: ClinVar variation 3036296 (VCV003036296.2), dbSNP rs753584963, ClinGen allele CA5365453.

ClinVar aggregate classification (germline): Likely benign (0 of 4 stars; one submission).

Conditions:
TUBB4B-related disorder. Also called: TUBB4B-related condition.

Allele frequency attached by ClinVar (database versions not stated): gnomAD 0.00001; gnomAD exomes 0.00001; ExAC 0.00002; TOPMed 0.00003.
gnomAD v4.1: 14 of 1,613,488 alleles (0.00087%); highest among the groups gnomAD compares: African/African-American, 0.0027%; no homozygotes.

Submission:

PreventionGenetics, part of Exact Sciences
Classification: Likely benign for TUBB4B-related condition. Last evaluated: 2022-01-17. Review status: no assertion criteria provided. Collection method: clinical testing. Allele origin: germline.
Comment: This variant is classified as likely benign based on ACMG/AMP sequence variant interpretation guidelines (Richards et al. 2015 PMID: 25741868, with internal and published modifications).